The following is an entry in ClinVar:

ClinVar aggregate classification (germline): Uncertain significance (1 of 4 stars; one submission).

Allele frequency attached by ClinVar (database versions not stated): gnomAD exomes below 0.00001.
gnomAD v4.1: 1 of 1,614,154 alleles (0.000062%); highest among the groups gnomAD compares: African/African-American, 0.0013%; no homozygotes.

Submission:

Labcorp Genetics (formerly Invitae), Labcorp
Classification: Uncertain significance. Last evaluated: 2021-07-26. Review status: criteria provided, single submitter. Criteria: Invitae Variant Classification Sherloc (09022015). Collection method: clinical testing. Allele origin: germline.
Comment: In summary, the available evidence is currently insufficient to determine the role of this variant in disease. Therefore, it has been classified as a Variant of Uncertain Significance. Nucleotide substitutions within the consensus splice site are a relatively common cause of aberrant splicing (PMID: 17576681, 9536098). Algorithms developed to predict the effect of sequence changes on RNA splicing suggest that this variant is not likely to affect RNA splicing. This variant has not been reported in the literature in individuals affected with DDRGK1-related conditions. This variant is not present in population databases (ExAC no frequency). This sequence change falls in intron 7 of the DDRGK1 gene. It does not directly change the encoded amino acid sequence of the DDRGK1 protein. It affects a nucleotide within the consensus splice site of the intron.

Literature cited by the submitters: PubMed 17576681; PubMed 9536098.

NM_023935.3(DDRGK1):c.730-3T>C

Gene: DDRGK1 (DDRGK domain containing 1; minus strand). Cytogenetic location: 20p13.
Variant type: single nucleotide variant.
Coding change: c.730-3T>C on transcript NM_023935.3 (MANE Select); 3 bases into the intron before coding-DNA position 730, T replaced by C.
Molecular consequence: intron variant.
Genome position (GRCh38, 1-based): chr20:3,191,241, A>G on the plus strand (T>C on the coding strand, the complement: DDRGK1 is on the minus strand). VCF-style: chr20-3191241-A-G. GRCh37 (hg19) VCF-style: chr20-3171887-A-G.
Identifiers: ClinVar variation 1405904 (VCV001405904.6), dbSNP rs934585432, ClinGen allele CA2573156891.